The following is an entry in ClinVar:

NM_001199251.3(SGO1):c.961C>T (p.Pro321Ser)

Genes: SGO1 (shugoshin 1; minus strand), SGO1-AS1 (SGO1 antisense RNA 1; plus strand). Cytogenetic location: 3p24.3.
Variant type: single nucleotide variant.
Coding change: c.961C>T on transcript NM_001199251.3 (MANE Select); coding-DNA position 961, C replaced by T.
Protein change: p.Pro321Ser; replaces proline 321 with serine.
Molecular consequence: missense variant. On other transcripts: intron variant (9).
Genome position (GRCh38, 1-based): chr3:20,174,570, G>A on the plus strand (C>T on the coding strand, the complement: SGO1 is on the minus strand). VCF-style: chr3-20174570-G-A. GRCh37 (hg19) VCF-style: chr3-20216062-G-A.
Other names: c.961C>T, p.Pro321Ser (NM_001012409.4, NM_001012410.5, NM_001199252.3); c.475+2031C>T (NM_138484.5, NM_001199256.3, NM_001012413.4 and 1 more transcripts); c.526+435C>T (NM_001012412.5, NM_001199257.3, NM_001199254.3 and 2 more transcripts); short protein forms P321S.
Identifiers: ClinVar variation 3894919 (VCV003894919.2), dbSNP rs115863450.

ClinVar aggregate classification (germline): Likely benign (1 of 4 stars; one submission).

gnomAD v4.1: 2,192 of 1,604,132 alleles (0.14%); highest among the groups gnomAD compares: South Asian, 0.23%; 4 homozygotes.

Submission:

Molecular Diagnostic Laboratory for Inherited Cardiovascular Disease, Montreal Heart Institute
Classification: Likely benign. Last evaluated: 2026-03-27. Review status: criteria provided, single submitter. Criteria: ACMG Guidelines, 2015. Collection method: clinical testing. Allele origin: germline. Affected: no.
Comment: BS1, BP4